The following is an entry in ClinVar:

NM_000037.4(ANK1):c.1527T>A (p.Ile509=)

Gene: ANK1 (ankyrin 1; minus strand). Cytogenetic location: 8p11.21.
Variant type: single nucleotide variant.
Coding change: c.1527T>A on transcript NM_000037.4 (MANE Select); coding-DNA position 1527, T replaced by A.
Protein change: p.Ile509=; no amino-acid change (isoleucine 509 retained).
Molecular consequence: synonymous variant.
Genome position (GRCh38, 1-based): chr8:41,715,727, A>T on the plus strand (T>A on the coding strand, the complement: ANK1 is on the minus strand). VCF-style: chr8-41715727-A-T. GRCh37 (hg19) VCF-style: chr8-41573245-A-T.
Other names: c.1626T>A, p.Ile542= (NM_001142446.2); c.1527T>A, p.Ile509= (NM_020475.3, NM_020476.3, NM_020477.3).
Identifiers: ClinVar variation 3030835 (VCV003030835.2), dbSNP rs1299344771, ClinGen allele CA460547042.

ClinVar aggregate classification (germline): Likely benign (0 of 4 stars; one submission).

Conditions:
ANK1-related disorder. Also called: ANK1-related condition.

gnomAD v4.1: 2 of 1,614,214 alleles (0.00012%); highest among the groups gnomAD compares: Non-Finnish European, 0.00017%; no homozygotes.

Submission:

PreventionGenetics, part of Exact Sciences
Classification: Likely benign for ANK1-related condition. Last evaluated: 2020-12-30. Review status: no assertion criteria provided. Collection method: clinical testing. Allele origin: germline.
Comment: This variant is classified as likely benign based on ACMG/AMP sequence variant interpretation guidelines (Richards et al. 2015 PMID: 25741868, with internal and published modifications).